The following is an entry in ClinVar:

ClinVar aggregate classification (germline): Benign/Likely benign. Review status: criteria provided, multiple submitters, no conflicts (2 of 4 stars). 4 submissions from 4 submitters: Benign (1); Likely benign (2). 1 of the submissions does not count toward it. Last evaluated 2025-12-02.

Conditions:
HCCS-related disorder. Also called: HCCS-related condition.

Allele frequency attached by ClinVar (database versions not stated): ESP Exome Variant Server 0.00009; gnomAD 0.00010 and 0.00011; gnomAD exomes 0.00011 and 0.00018; TOPMed 0.00015; ExAC 0.00019.
gnomAD v4.1: 135 of 1,202,803 alleles (0.011%); highest among the groups gnomAD compares: Admixed American, 0.024%; no homozygotes.

Submissions (4):

Labcorp Genetics (formerly Invitae), Labcorp
Classification: Benign. Last evaluated: 2025-12-02. Review status: criteria provided, single submitter. Criteria: Invitae Variant Classification Sherloc (09022015). Collection method: clinical testing. Allele origin: germline.

CeGaT Center for Human Genetics Tuebingen
Classification: Likely benign. Last evaluated: 2022-11-01. Review status: criteria provided, single submitter. Criteria: CeGaT Center For Human Genetics Tuebingen Variant Classification Criteria Version 2. Collection method: clinical testing. Allele origin: germline. Affected: yes. Observed: 1 variant allele.
Comment: ARHGAP6: BS2; HCCS: BP4, BS2

Genetic Services Laboratory, University of Chicago
Classification: Likely benign for AllHighlyPenetrant. Last evaluated: 2013-12-03. Review status: criteria provided, single submitter. Criteria: ACMG Guidelines, 2007. Collection method: clinical testing. Allele origin: germline. Inheritance: X-linked inheritance.

PreventionGenetics, part of Exact Sciences
Classification: Likely benign for HCCS-related condition. Last evaluated: 2019-07-15. Review status: no assertion criteria provided. Collection method: clinical testing. Allele origin: germline. Not counted in ClinVar's aggregate classification.
Comment: This variant is classified as likely benign based on ACMG/AMP sequence variant interpretation guidelines (Richards et al. 2015 PMID: 25741868, with internal and published modifications).

NM_005333.5(HCCS):c.521+7A>G

Genes: ARHGAP6 (Rho GTPase activating protein 6; minus strand), HCCS (holocytochrome c synthase; plus strand). Cytogenetic location: Xp22.2.
Variant type: single nucleotide variant.
Coding change: c.521+7A>G on transcript NM_005333.5 (MANE Select); 7 bases into the intron after coding-DNA position 521, A replaced by G.
Molecular consequence: intron variant.
Genome position (GRCh38, 1-based): chrX:11,118,627, A>G. VCF-style: chrX-11118627-A-G. GRCh37 (hg19) VCF-style: chrX-11136747-A-G.
Other names: c.521+7A>G (NM_001122608.3, NM_001171991.3).
Identifiers: ClinVar variation 129216 (VCV000129216.38), dbSNP rs372832496, ClinGen allele CA153067.